The following is an entry in ClinVar:

ClinVar aggregate classification (germline): Uncertain significance (1 of 4 stars; one submission).

Allele frequency attached by ClinVar (database versions not stated): TOPMed below 0.00001.

Submission:

GeneDx
Classification: Uncertain significance. Last evaluated: 2017-05-10. Review status: criteria provided, single submitter. Criteria: GeneDx Variant Classification (06012015). Collection method: clinical testing. Allele origin: germline. Affected: yes.
Comment: The T784I variant has not been published as a pathogenic variant, nor has it been reported as a benign variant to our knowledge. The T784I variant is not observed in large population cohorts (Lek et al., 2016; 1000 Genomes Consortium et al., 2015; Exome Variant Server). This substitution occurs at a position where amino acids with similar properties to Threonine are tolerated across species. However, this variant is a non-conservative amino acid substitution, which is likely to impact secondary protein structure as these residues differ in polarity, charge, size and/or other properties. In silico analysis is inconsistent in its predictions as to whether or not the variant is damaging to the protein structure/function.

NM_012470.4(TNPO3):c.2351C>T (p.Thr784Ile)

Gene: TNPO3 (transportin 3; minus strand). Cytogenetic location: 7q32.1.
Variant type: single nucleotide variant.
Coding change: c.2351C>T on transcript NM_012470.4 (MANE Select); coding-DNA position 2351, C replaced by T.
Protein change: p.Thr784Ile; replaces threonine 784 with isoleucine.
Molecular consequence: missense variant. On other transcripts: non-coding transcript variant (18).
Genome position (GRCh38, 1-based): chr7:128,972,505, G>A on the plus strand (C>T on the coding strand, the complement: TNPO3 is on the minus strand). VCF-style: chr7-128972505-G-A. GRCh37 (hg19) VCF-style: chr7-128612559-G-A.
Other names: c.2159C>T, p.Thr720Ile (NM_001191028.3, NM_001382223.1); c.2453C>T, p.Thr818Ile (NM_001382216.1); c.2432C>T, p.Thr811Ile (NM_001382217.1); c.2351C>T, p.Thr784Ile (NM_001382218.1); c.2243C>T, p.Thr748Ile (NM_001382219.1); c.2210C>T, p.Thr737Ile (NM_001382220.1); c.2207C>T, p.Thr736Ile (NM_001382221.1); c.2204C>T, p.Thr735Ile (NM_001382222.1); short protein forms T784I, T720I, T735I, T736I, T737I, T748I, T811I, T818I.
Identifiers: ClinVar variation 430036 (VCV000430036.2), dbSNP rs1131691750, ClinGen allele CA369252515.
Genomic context (GRCh38, chr7:128,972,505, plus strand): 5'-TGAATGAGGTCTCGTAGAAACCTCATGACACTACAATTGGCATCCCGGTGGTCCAGGGTA[G>A]TAGAGGCAATGGCCCACTGTAAGATAGGGATGACCACTTGGCTCCGCAGCAAGGTGACAG-3'
Protein context (NP_036602.1, residues 774-794): IPILQWAIAS[Thr784Ile]TLDHRDANCS